The following is an entry in ClinVar:

ClinVar aggregate classification (germline): Pathogenic. Review status: criteria provided, multiple submitters, no conflicts (2 of 4 stars). 4 submissions from 3 submitters: Pathogenic (2). 2 of the submissions do not count toward it. Last evaluated 2026-01-26.

Conditions:
Nephronophthisis. Also called: Juvenile Nephronophthisis. Identifiers: Orphanet 655, MedGen C0687120, MONDO:0019005, HP:0000090.
Nephronophthisis 4 (NPHP4). Also called: NEPHRONOPHTHISIS 4, JUVENILE. Identifiers: Orphanet 655, MedGen C1847013, MONDO:0011752, OMIM 606966.
Infertility disorder. Also called: Infertility. Identifiers: MedGen C0021359, MeSH D007246, MONDO:0005047, HP:0000789.
Cerebello-oculo-renal syndrome (nephronophthisis, oculomotor apraxia and cerebellar abnormalities).

Allele frequency attached by ClinVar (database versions not stated): TOPMed 0.00001; gnomAD 0.00001; ExAC 0.00002.
gnomAD v4.1: 14 of 1,613,908 alleles (0.00087%); highest among the groups gnomAD compares: African/African-American, 0.004%; no homozygotes.

Submissions (4):

Labcorp Genetics (formerly Invitae), Labcorp
Classification: Pathogenic for Nephronophthisis. Last evaluated: 2026-01-26. Review status: criteria provided, single submitter. Criteria: Invitae Variant Classification Sherloc (09022015). Collection method: clinical testing. Allele origin: germline.
Comment: This sequence change creates a premature translational stop signal (p.Arg682*) in the NPHP4 gene. It is expected to result in an absent or disrupted protein product. Loss-of-function variants in NPHP4 are known to be pathogenic (PMID: 12205563, 23559409). The frequency data for this variant in the population databases is considered unreliable, as metrics indicate poor data quality at this position in the gnomAD database. This premature translational stop signal has been observed in individual(s) with nephronophthisis (PMID: 12244321). ClinVar contains an entry for this variant (Variation ID: 3401). For these reasons, this variant has been classified as Pathogenic.

Genomic Medicine Center of Excellence, King Faisal Specialist Hospital and Research Centre
Classification: Pathogenic for Nephronophthisis 4. Last evaluated: 2024-03-17. Review status: criteria provided, single submitter. Criteria: ACMG Guidelines, 2015. Collection method: research. Allele origin: germline.

Genomic Medicine Center of Excellence, King Faisal Specialist Hospital and Research Centre
Classification: Likely pathogenic for Cerebello-oculo-renal syndrome (nephronophthisis, oculomotor apraxia and cerebellar abnormalities); Infertility. Last evaluated: 2014-12-01. Review status: no assertion criteria provided. Criteria: research. Collection method: research. Allele origin: germline. Affected: yes. Not counted in ClinVar's aggregate classification.

OMIM
Classification: Pathogenic for NEPHRONOPHTHISIS 4. Last evaluated: 2002-11-01. Review status: no assertion criteria provided. Collection method: literature only. Allele origin: germline. Not counted in ClinVar's aggregate classification.

Literature cited by the submitters: PubMed 12205563 (cited by Labcorp Genetics (formerly Invitae), Labcorp and OMIM); PubMed 23559409 (cited by Labcorp Genetics (formerly Invitae), Labcorp); PubMed 12244321 (cited by Labcorp Genetics (formerly Invitae), Labcorp and OMIM); PubMed 25558065 (cited by Genomic Medicine Center of Excellence, King Faisal Specialist Hospital and Research Centre); PubMed 11920287 (cited by OMIM); PubMed 23574405 (cited by OMIM).

NM_015102.5(NPHP4):c.2044C>T (p.Arg682Ter)

Gene: NPHP4 (nephrocystin 4; minus strand). Cytogenetic location: 1p36.31.
Variant type: single nucleotide variant.
Coding change: c.2044C>T on transcript NM_015102.5 (MANE Select); coding-DNA position 2044, C replaced by T.
Protein change: p.Arg682Ter; replaces arginine 682 with a stop codon.
Molecular consequence: nonsense. On other transcripts: non-coding transcript variant (1).
Genome position (GRCh38, 1-based): chr1:5,904,716, G>A on the plus strand (C>T on the coding strand, the complement: NPHP4 is on the minus strand). VCF-style: chr1-5904716-G-A. GRCh37 (hg19) VCF-style: chr1-5964776-G-A.
Other names: c.505C>T, p.Arg169Ter (NM_001291593.2); c.508C>T, p.Arg170Ter (NM_001291594.2); short protein forms R682*, R169*, R170*.
Identifiers: ClinVar variation 3401 (VCV000003401.12), dbSNP rs137852920, ClinGen allele CA116185.